The following is an entry in ClinVar:

ClinVar aggregate classification (germline): Likely benign (0 of 4 stars; one submission).

Conditions:
JAK2-related disorder. Also called: JAK2-related condition.

Allele frequency attached by ClinVar (database versions not stated): gnomAD exomes below 0.00001; TOPMed 0.00002; ExAC 0.00002; gnomAD 0.00002.
gnomAD v4.1: 9 of 1,580,184 alleles (0.00057%); highest among the groups gnomAD compares: East Asian, 0.0071%; no homozygotes.

Submission:

PreventionGenetics, part of Exact Sciences
Classification: Likely benign for JAK2-related condition. Last evaluated: 2019-02-26. Review status: no assertion criteria provided. Collection method: clinical testing. Allele origin: germline.
Comment: This variant is classified as likely benign based on ACMG/AMP sequence variant interpretation guidelines (Richards et al. 2015 PMID: 25741868, with internal and published modifications).

NM_004972.4(JAK2):c.2628G>A (p.Gly876=)

Genes: INSL6 (insulin like 6; minus strand), JAK2 (Janus kinase 2; plus strand). Cytogenetic location: 9p24.1.
Variant type: single nucleotide variant.
Coding change: c.2628G>A on transcript NM_004972.4 (MANE Select); coding-DNA position 2628, G replaced by A.
Protein change: p.Gly876=; no amino-acid change (glycine 876 retained).
Molecular consequence: synonymous variant. On other transcripts: non-coding transcript variant (2).
Genome position (GRCh38, 1-based): chr9:5,089,730, G>A. VCF-style: chr9-5089730-G-A. GRCh37 (hg19) VCF-style: chr9-5089730-G-A.
Other names: c.2628G>A, p.Gly876= (NM_001322194.2, NM_001322195.2, NM_001322196.2); c.1413G>A, p.Gly471= (NM_001322198.2, NM_001322199.2); c.2181G>A, p.Gly727= (NM_001322204.2).
Identifiers: ClinVar variation 3046983 (VCV003046983.2), dbSNP rs767470238, ClinGen allele CA4972204.